The following is an entry in ClinVar:

NM_000038.6(APC):c.2455A>T (p.Met819Leu)

Gene: APC (APC regulator of Wnt signaling pathway; plus strand). Cytogenetic location: 5q22.2.
Variant type: single nucleotide variant.
Coding change: c.2455A>T on transcript NM_000038.6 (MANE Select); coding-DNA position 2455, A replaced by T.
Protein change: p.Met819Leu; replaces methionine 819 with leucine.
Molecular consequence: missense variant. On other transcripts: non-coding transcript variant (2).
Genome position (GRCh38, 1-based): chr5:112,838,049, A>T. VCF-style: chr5-112838049-A-T. GRCh37 (hg19) VCF-style: chr5-112173746-A-T.
Other names: c.2332A>T, p.Met778Leu (NM_001354900.2); c.2278A>T, p.Met760Leu (NM_001354901.2, NM_001407453.1); c.2182A>T, p.Met728Leu (NM_001354902.2); c.2152A>T, p.Met718Leu (NM_001354903.2, NM_001407458.1, NM_001407459.1 and 1 more transcripts); c.2077A>T, p.Met693Leu (NM_001354904.2); c.1975A>T, p.Met659Leu (NM_001354905.2); c.1606A>T, p.Met536Leu (NM_001354906.2, NM_001407470.1); c.2539A>T, p.Met847Leu (NM_001407446.1); and 11 more; short protein forms M435L, M690L, M736L, M760L, M536L, M659L, M847L, M728L.
Identifiers: ClinVar variation 3410451 (VCV003410451.1).
Genomic context (GRCh38, chr5:112,838,049, plus strand): 5'-TATGTTTTTGACACCAATCGACATGATGATAATAGGTCAGACAATTTTAATACTGGCAAC[A>T]TGACTGTCCTTTCACCATATTTGAATACTACAGTGTTACCCAGCTCCTCTTCATCAAGAG-3'
Protein context (NP_000029.2, residues 809-829): NRSDNFNTGN[Met819Leu]TVLSPYLNTT

ClinVar aggregate classification (germline): Uncertain significance (1 of 4 stars; one submission).

Conditions:
Hereditary cancer-predisposing syndrome. Also called: Neoplastic Syndromes, Hereditary; Tumor predisposition; Hereditary Cancer Syndrome; Hereditary neoplastic syndrome. Identifiers: Orphanet 140162, MedGen C0027672, MeSH D009386, MONDO:0015356.

gnomAD v4.1: 2 of 1,614,204 alleles (0.00012%); highest among the groups gnomAD compares: South Asian, 0.0011%; no homozygotes.

Submission:

Ambry Genetics
Classification: Uncertain significance for Hereditary cancer-predisposing syndrome. Last evaluated: 2024-08-19. Review status: criteria provided, single submitter. Criteria: Ambry Variant Classification Scheme 2023. Collection method: clinical testing. Allele origin: germline.
Comment: The p.M819L variant (also known as c.2455A>T), located in coding exon 15 of the APC gene, results from an A to T substitution at nucleotide position 2455. The methionine at codon 819 is replaced by leucine, an amino acid with highly similar properties. This amino acid position is conserved. In addition, in silico predictors for this gene do not accurately predict pathogenicity. Based on the available evidence, the clinical significance of this variant remains unclear.